The following is an entry in ClinVar:

NM_014023.4(WDR37):c.374C>T (p.Thr125Ile)

Gene: WDR37 (WD repeat domain 37; plus strand). Cytogenetic location: 10p15.3.
Variant type: single nucleotide variant.
Coding change: c.374C>T on transcript NM_014023.4 (MANE Select); coding-DNA position 374, C replaced by T.
Protein change: p.Thr125Ile; replaces threonine 125 with isoleucine.
Molecular consequence: missense variant.
Genome position (GRCh38, 1-based): chr10:1,080,454, C>T. VCF-style: chr10-1080454-C-T. GRCh37 (hg19) VCF-style: chr10-1126394-C-T.
Other names: short protein forms T125I.
Identifiers: ClinVar variation 440948 (VCV000440948.11), dbSNP rs1554823375, ClinGen allele CA375856303.

ClinVar aggregate classification (germline): Pathogenic/Likely pathogenic. Review status: criteria provided, multiple submitters, no conflicts (2 of 4 stars). 6 submissions from 6 submitters: Pathogenic (1); Likely pathogenic (1). 4 of the submissions do not count toward it. Last evaluated 2019-08-01.

Conditions:
WDR37-related disorder. Also called: WDR37-related condition.
Neurooculocardiogenitourinary syndrome. Identifiers: Orphanet 684305, MedGen C5231443, MONDO:0032850, OMIM 618652.
Epilepsy. Also called: Seizure disorder. Identifiers: MedGen C0014544, MeSH D004827, MONDO:0005027.
Developmental delay. Also called: Delayed development. Identifiers: MedGen C0424605.
Isolated cerebellar hypoplasia/agenesis (CHEGDD). Also called: Cerebellar hypoplasia/atrophy, epilepsy, and global developmental delay. Identifiers: Orphanet 1398, Orphanet 2246, MedGen C5231391, MONDO:0008939, OMIM 213000.
Intellectual disability. Also called: Intellectual functioning disability; Intellectual developmental disorder; intellectual disabilities. Identifiers: MedGen C3714756, MeSH D008607, MONDO:0001071, HP:0001249.
Congenital ocular coloboma. Also called: COLOBOMA OF IRIS, CHOROID, AND RETINA; COLOBOMA, UVEORETINAL; Coloboma of eye; Coloboma. Identifiers: Orphanet 194, MedGen C0009363, MONDO:0001476, HP:0000589.
Dysmorphism. Identifiers: MedGen C1737329.
Cerebellar vermis hypoplasia. Identifiers: MedGen C1840379, HP:0001320.
Ventriculomegaly. Identifiers: MedGen C1531647, HP:0002119.

Submissions (6):

Undiagnosed Diseases Network, NIH
Classification: Pathogenic for Neurooculocardiogenitourinary syndrome. Last evaluated: 2019-08-01. Review status: criteria provided, single submitter. Criteria: ACMG Guidelines, 2015. Collection method: clinical testing. Allele origin: de novo. Inheritance: Autosomal dominant inheritance. Affected: yes. Observed: 1 variant allele, 1 heterozygote. Study: Undiagnosed Diseases Network (NIH), UDN.

Undiagnosed Diseases Program Translational Research Laboratory, National Institutes of Health
Classification: Likely pathogenic for Developmental delay; Dysmorphism; Intellectual disability; Cerebellar hypoplasia; Epilepsy; Coloboma. Last evaluated: 2019-05-06. Review status: criteria provided, single submitter. Criteria: UDP ClinVar Assertion WDR37 050619. Collection method: research. Allele origin: de novo. Affected: yes. Observed: 1 variant allele.

OMIM
Classification: Pathogenic for NEUROOCULOCARDIOGENITOURINARY SYNDROME. Last evaluated: 2024-09-23. Review status: no assertion criteria provided. Collection method: literature only. Allele origin: germline. Not counted in ClinVar's aggregate classification.

PreventionGenetics, part of Exact Sciences
Classification: Pathogenic for WDR37-related condition. Last evaluated: 2024-01-02. Review status: no assertion criteria provided. Collection method: clinical testing. Allele origin: germline. Not counted in ClinVar's aggregate classification.
Comment: The WDR37 c.374C>T variant is predicted to result in the amino acid substitution p.Thr125Ile. This variant has been reported in the de novo state in multiple individuals with WDR37-related diseases (Reis et al. 2019. PubMed ID: 31327510; Kanca et al. 2019. PubMed ID: 31327508; Aldinger et al. 2019. PubMed ID: 31474318. Table S5; Zhu et al. 2022. PubMed ID: 35726512). This variant has not been reported in a large population database, indicating this variant is rare. This variant is interpreted as pathogenic.

Dobyns Lab, Seattle Children's Research Institute
Classification: Likely pathogenic for Cerebellar vermis hypoplasia; Ventriculomegaly. Last evaluated: 2019-02-18. Review status: no assertion criteria provided. Collection method: research. Allele origin: germline. Affected: yes. Observed: 1 variant allele. Not counted in ClinVar's aggregate classification.

University of Washington Center for Mendelian Genomics, University of Washington
Classification: Likely pathogenic for Cerebellar hypoplasia. Review status: no assertion criteria provided. Collection method: research. Allele origin: de novo. Affected: yes. Not counted in ClinVar's aggregate classification.

Literature cited by the submitters: PubMed 31491411 (cited by OMIM); PubMed 31327510 (cited by OMIM); PubMed 31474318 (cited by University of Washington Center for Mendelian Genomics, University of Washington).